The following is an entry in ClinVar:

NM_001081.4(CUBN):c.4740G>A (p.Thr1580=)

Gene: CUBN (cubilin; minus strand). Cytogenetic location: 10p13.
Variant type: single nucleotide variant.
Coding change: c.4740G>A on transcript NM_001081.4 (MANE Select); coding-DNA position 4740, G replaced by A.
Protein change: p.Thr1580=; no amino-acid change (threonine 1580 retained).
Molecular consequence: synonymous variant.
Genome position (GRCh38, 1-based): chr10:16,954,504, C>T on the plus strand (G>A on the coding strand, the complement: CUBN is on the minus strand). VCF-style: chr10-16954504-C-T. GRCh37 (hg19) VCF-style: chr10-16996503-C-T.
Identifiers: ClinVar variation 878557 (VCV000878557.13), dbSNP rs200115233, ClinGen allele CA5424266.

ClinVar aggregate classification (germline): Conflicting classifications of pathogenicity. Review status: criteria provided, conflicting classifications (1 of 4 stars). 3 submissions from 3 submitters: Uncertain significance (1); Likely benign (2). Last evaluated 2026-04-01.

Conditions:
Imerslund-Grasbeck syndrome. Also called: Megaloblastic anemia due to inborn errors of metabolism; PERNICIOUS ANEMIA, JUVENILE, DUE TO SELECTIVE INTESTINAL MALABSORPTION OF VITAMIN B12, WITH PROTEINURIA; Imerslund-Gräsbeck syndrome; ENTEROCYTE COBALAMIN MALABSORPTION; ENTEROCYTE INTRINSIC FACTOR RECEPTOR, DEFECT OF. Identifiers: Orphanet 35858, MedGen C4551825, MONDO:0009853.
Imerslund-Grasbeck syndrome type 1 (IGS1). Also called: MEGALOBLASTIC ANEMIA, 1; Megaloblastic anemia 1, Finnish type; Imerslund-Gräsbeck syndrome 1. Identifiers: MedGen C4016819, MONDO:0100156, OMIM 261100.

Allele frequency attached by ClinVar (database versions not stated): ExAC 0.00003; gnomAD exomes 0.00005; gnomAD 0.00013 and 0.00016; 1000 Genomes Project 30x 0.00016; TOPMed 0.00019; 1000 Genomes Project 0.00020.
gnomAD v4.1: 56 of 1,613,994 alleles (0.0035%); highest among the groups gnomAD compares: African/African-American, 0.041%; no homozygotes.

Submissions (3):

CeGaT Center for Human Genetics Tuebingen
Classification: Likely benign. Last evaluated: 2026-04-01. Review status: criteria provided, single submitter. Criteria: CeGaT Center For Human Genetics Tuebingen Variant Classification Criteria Version 2. Collection method: clinical testing. Allele origin: germline. Affected: yes. Observed: 1 variant allele.
Comment: CUBN: BP4, BP7

Labcorp Genetics (formerly Invitae), Labcorp
Classification: Likely benign for Imerslund-Grasbeck syndrome. Last evaluated: 2025-04-15. Review status: criteria provided, single submitter. Criteria: Invitae Variant Classification Sherloc (09022015). Collection method: clinical testing. Allele origin: germline.

Illumina Laboratory Services, Illumina
Classification: Uncertain significance for Imerslund-Grasbeck syndrome type 1. Last evaluated: 2018-02-16. Review status: criteria provided, single submitter. Criteria: ICSL Variant Classification Criteria 13 December 2019. Collection method: clinical testing. Allele origin: germline.